The following is an entry in ClinVar:

NM_020800.3(IFT80):c.2014A>G (p.Ile672Val)

Genes: TRIM59-IFT80 (TRIM59-IFT80 readthrough (NMD candidate); minus strand), IFT80 (intraflagellar transport 80; minus strand). Cytogenetic location: 3q25.33.
Variant type: single nucleotide variant.
Coding change: c.2014A>G on transcript NM_020800.3 (MANE Select); coding-DNA position 2014, A replaced by G.
Protein change: p.Ile672Val; replaces isoleucine 672 with valine.
Molecular consequence: missense variant. On other transcripts: non-coding transcript variant (3).
Genome position (GRCh38, 1-based): chr3:160,277,391, T>C on the plus strand (A>G on the coding strand, the complement: IFT80 is on the minus strand). VCF-style: chr3-160277391-T-C. GRCh37 (hg19) VCF-style: chr3-159995179-T-C.
Other names: c.1603A>G, p.Ile535Val (NM_001190241.2, NM_001190242.2); short protein forms I672V, I535V.
Identifiers: ClinVar variation 343963 (VCV000343963.10), dbSNP rs767128122, ClinGen allele CA2684992.

ClinVar aggregate classification (germline): Uncertain significance. Review status: criteria provided, multiple submitters, no conflicts (2 of 4 stars). 4 submissions from 4 submitters: Uncertain significance (4). Last evaluated 2024-05-16.

Conditions:
Inborn genetic diseases. Identifiers: MedGen C0950123, MeSH D030342.
Jeune thoracic dystrophy. Also called: Jeune syndrome; Infantile thoracic dystrophy; Thoracic pelvic phalangeal dystrophy; Jeune's syndrome; Chondroectodermal dysplasia-like syndrome; Short-rib thoracic dysplasia. Identifiers: Orphanet 474, MedGen C0265275, MONDO:0018770.
Asphyxiating thoracic dystrophy 2 (SRTD2). Also called: SHORT-RIB THORACIC DYSPLASIA 2 WITH OR WITHOUT POLYDACTYLY; SHORT-RIB THORACIC DYSPLASIA 2 WITH POLYDACTYLY; SHORT-RIB THORACIC DYSPLASIA 2 WITHOUT POLYDACTYLY. Identifiers: Orphanet 474, MedGen C1970005, MONDO:0012644, OMIM 611263.

Allele frequency attached by ClinVar (database versions not stated): gnomAD 0.00001; gnomAD exomes 0.00001 and 0.00005; TOPMed 0.00002; ExAC 0.00004.
gnomAD v4.1: 14 of 1,613,656 alleles (0.00087%); highest among the groups gnomAD compares: East Asian, 0.031%; no homozygotes.

Submissions (4):

Fulgent Genetics
Classification: Uncertain significance for Asphyxiating thoracic dystrophy 2. Last evaluated: 2024-05-16. Review status: criteria provided, single submitter. Criteria: ACMG Guidelines, 2015. Collection method: clinical testing. Allele origin: germline.

Ambry Genetics
Classification: Uncertain significance for Inborn genetic diseases. Last evaluated: 2024-03-15. Review status: criteria provided, single submitter. Criteria: Ambry Variant Classification Scheme 2023. Collection method: clinical testing. Allele origin: germline.

Labcorp Genetics (formerly Invitae), Labcorp
Classification: Uncertain significance for Jeune thoracic dystrophy. Last evaluated: 2022-10-05. Review status: criteria provided, single submitter. Criteria: Invitae Variant Classification Sherloc (09022015). Collection method: clinical testing. Allele origin: germline.
Comment: In summary, the available evidence is currently insufficient to determine the role of this variant in disease. Therefore, it has been classified as a Variant of Uncertain Significance. Advanced modeling of protein sequence and biophysical properties (such as structural, functional, and spatial information, amino acid conservation, physicochemical variation, residue mobility, and thermodynamic stability) performed at Invitae indicates that this missense variant is not expected to disrupt IFT80 protein function. ClinVar contains an entry for this variant (Variation ID: 343963). This variant has not been reported in the literature in individuals affected with IFT80-related conditions. This variant is present in population databases (rs767128122, gnomAD 0.07%). This sequence change replaces isoleucine, which is neutral and non-polar, with valine, which is neutral and non-polar, at codon 672 of the IFT80 protein (p.Ile672Val).

Illumina Laboratory Services, Illumina
Classification: Uncertain significance for Asphyxiating thoracic dystrophy 2. Last evaluated: 2018-01-13. Review status: criteria provided, single submitter. Criteria: ICSL Variant Classification Criteria 13 December 2019. Collection method: clinical testing. Allele origin: germline.